The following is an entry in ClinVar:

NM_001042492.3(NF1):c.3829G>C (p.Gly1277Arg)

Gene: NF1 (neurofibromin 1; plus strand). Cytogenetic location: 17q11.2.
Variant type: single nucleotide variant.
Coding change: c.3829G>C on transcript NM_001042492.3 (MANE Select); coding-DNA position 3829, G replaced by C.
Protein change: p.Gly1277Arg; replaces glycine 1277 with arginine.
Molecular consequence: missense variant.
Genome position (GRCh38, 1-based): chr17:31,235,731, G>C. VCF-style: chr17-31235731-G-C. GRCh37 (hg19) VCF-style: chr17-29562749-G-C.
Other names: c.3829G>C, p.Gly1277Arg (NM_000267.4); short protein forms G1277R.
Identifiers: ClinVar variation 4856714 (VCV004856714.1).

ClinVar aggregate classification (germline): Likely pathogenic (1 of 4 stars; one submission).

Conditions:
Neurofibromatosis, type 1 (NF1). Also called: VON RECKLINGHAUSEN DISEASE; Peripheral type neurofibromatosis; Neurofibromatosis, type I; NEUROFIBROMATOSIS, TYPE I, SOMATIC. Identifiers: Orphanet 636, MedGen C0027831, MONDO:0018975, OMIM 162200. Disease mechanism: loss of function.

Submission:

Myriad Genetics, Inc.
Classification: Likely pathogenic for Neurofibromatosis, type 1. Last evaluated: 2026-01-14. Review status: criteria provided, single submitter. Criteria: Myriad Autosomal Dominant, Autosomal Recessive and X-Linked Classification Criteria (2023). Collection method: clinical testing. Allele origin: unknown.
Comment: This variant is considered likely pathogenic. This variant has been reported in an individual with clinical features of gene-specific disease [PMID: 40225167]. Functional studies indicate this variant impacts protein function [PMID: 12787671, 40225167]. This variant is expected to disrupt protein structure [Myriad internal data].

Literature cited by the submitters: PubMed 40225167; PubMed 12787671.